The following is an entry in ClinVar:

ClinVar aggregate classification (germline): Likely benign (1 of 4 stars; one submission).

Allele frequency attached by ClinVar (database versions not stated): 1000 Genomes Project 0.00978; 1000 Genomes Project 30x 0.01031; TOPMed 0.02232.
gnomAD v4.1: 3,323 of 152,250 alleles (2.2%); highest among the groups gnomAD compares: Middle Eastern, 4.8%; 62 homozygotes.

Submission:

GeneDx
Classification: Likely benign. Last evaluated: 2018-06-15. Review status: criteria provided, single submitter. Criteria: GeneDx Variant Classification (06012015). Collection method: clinical testing. Allele origin: germline. Affected: yes.
Comment: This variant is considered likely benign or benign based on one or more of the following criteria: it is a conservative change, it occurs at a poorly conserved position in the protein, it is predicted to be benign by multiple in silico algorithms, and/or has population frequency not consistent with disease.

NM_020975.6(RET):c.2801+243G>C

Gene: RET (ret proto-oncogene; plus strand). Cytogenetic location: 10q11.21.
Variant type: single nucleotide variant.
Coding change: c.2801+243G>C on transcript NM_020975.6 (MANE Select); 243 bases into the intron after coding-DNA position 2801, G replaced by C.
Molecular consequence: intron variant.
Genome position (GRCh38, 1-based): chr10:43,122,259, G>C. VCF-style: chr10-43122259-G-C. GRCh37 (hg19) VCF-style: chr10-43617707-G-C.
Other names: c.2801+243G>C (NM_020630.7, NM_001406743.1, NM_001406744.1 and 2 more transcripts); c.2666+243G>C (NM_001406765.1, NM_001406763.1); c.2405+243G>C (NM_001406772.1, NM_001406769.1); c.2363+243G>C (NM_001406773.1, NM_001406771.1); c.1904+243G>C (NM_001406782.1, NM_001406780.1, NM_001406779.1 and 1 more transcripts); c.1769+243G>C (NM_001406787.1); c.1784+243G>C (NM_001406785.1); c.2672+243G>C (NM_001406764.1, NM_001406762.1, NM_001406761.1); and 10 more.
Identifiers: ClinVar variation 677749 (VCV000677749.3), dbSNP rs3026774, ClinGen allele CA206267189.